The following is an entry in ClinVar:

ClinVar aggregate classification (germline): Likely benign. Review status: criteria provided, multiple submitters, no conflicts (2 of 4 stars). 2 submissions from 2 submitters: Likely benign (2). Last evaluated 2024-03-24.

Conditions:
Long QT syndrome (LQTS). Identifiers: MedGen C0023976, MeSH D008133, MONDO:0002442. Disease mechanism: loss of function. Inheritance: Various modes of inheritance.

Allele frequency attached by ClinVar (database versions not stated): gnomAD exomes below 0.00001; TOPMed below 0.00001; ExAC 0.00001.
gnomAD v4.1: 1 of 1,613,226 alleles (0.000062%); highest among the groups gnomAD compares: Admixed American, 0.0017%; no homozygotes.

Submissions (2):

All of Us Research Program, National Institutes of Health
Classification: Likely benign for Long QT syndrome. Last evaluated: 2024-03-24. Review status: criteria provided, single submitter. Criteria: ACMG Guidelines, 2015. Collection method: clinical testing. Allele origin: germline. Inheritance: Autosomal dominant inheritance. Observed: 1 variant allele, 1 heterozygote.
Comment: This study involves interpretation of variants in research participants for the purpose of population health screening. Participant phenotype was not available at the time of variant classification. Additional details can be found in publication PMID: 35346344, PMCID: PMC8962531

Labcorp Genetics (formerly Invitae), Labcorp
Classification: Likely benign for Long QT syndrome. Last evaluated: 2022-09-27. Review status: criteria provided, single submitter. Criteria: Invitae Variant Classification Sherloc (09022015). Collection method: clinical testing. Allele origin: germline.

NM_000218.3(KCNQ1):c.636C>G (p.Val212=)

Gene: KCNQ1 (potassium voltage-gated channel subfamily Q member 1; plus strand). Cytogenetic location: 11p15.5.
Variant type: single nucleotide variant.
Coding change: c.636C>G on transcript NM_000218.3 (MANE Select); coding-DNA position 636, C replaced by G.
Protein change: p.Val212=; no amino-acid change (valine 212 retained).
Molecular consequence: synonymous variant. On other transcripts: intron variant (1).
Genome position (GRCh38, 1-based): chr11:2,571,356, C>G. VCF-style: chr11-2571356-C-G. GRCh37 (hg19) VCF-style: chr11-2592586-C-G.
Other names: c.636C>G, p.Val212= (NM_001406836.1); c.366C>G, p.Val122= (NM_001406837.1); c.255C>G, p.Val85= (NM_181798.2); c.478-12079C>G (NM_001406838.1).
Identifiers: ClinVar variation 2144376 (VCV002144376.5), dbSNP rs759705102, ClinGen allele CA039250.